The following is an entry in ClinVar:

ClinVar aggregate classification (germline): Uncertain significance (1 of 4 stars; one submission).

Conditions:
Pitt-Hopkins-like syndrome 2 (PTHSL2). Identifiers: Orphanet 221150, Orphanet 600663, MedGen C3280479, MONDO:0013690, OMIM 614325.

gnomAD v4.1: 2 of 1,613,280 alleles (0.00012%); highest among the groups gnomAD compares: Non-Finnish European, 0.00017%; no homozygotes.

Submission:

Labcorp Genetics (formerly Invitae), Labcorp
Classification: Uncertain significance for Pitt-Hopkins-like syndrome 2. Last evaluated: 2022-12-29. Review status: criteria provided, single submitter. Criteria: Invitae Variant Classification Sherloc (09022015). Collection method: clinical testing. Allele origin: germline.
Comment: In summary, the available evidence is currently insufficient to determine the role of this variant in disease. Therefore, it has been classified as a Variant of Uncertain Significance. Algorithms developed to predict the effect of missense changes on protein structure and function are either unavailable or do not agree on the potential impact of this missense change (SIFT: "Deleterious"; PolyPhen-2: "Possibly Damaging"; Align-GVGD: "Class C0"). This variant has not been reported in the literature in individuals affected with NRXN1-related conditions. This variant is not present in population databases (gnomAD no frequency). This sequence change replaces glycine, which is neutral and non-polar, with cysteine, which is neutral and slightly polar, at codon 152 of the NRXN1 protein (p.Gly152Cys).

NM_001330078.2(NRXN1):c.454G>T (p.Gly152Cys)

Gene: NRXN1 (neurexin 1; minus strand). Cytogenetic location: 2p16.3.
Variant type: single nucleotide variant.
Coding change: c.454G>T on transcript NM_001330078.2 (MANE Select); coding-DNA position 454, G replaced by T.
Protein change: p.Gly152Cys; replaces glycine 152 with cysteine.
Molecular consequence: missense variant.
Genome position (GRCh38, 1-based): chr2:51,027,820, C>A on the plus strand (G>T on the coding strand, the complement: NRXN1 is on the minus strand). VCF-style: chr2-51027820-C-A. GRCh37 (hg19) VCF-style: chr2-51254958-C-A.
Other names: c.454G>T, p.Gly152Cys (NM_001135659.3, NM_001330077.2, NM_001330079.2 and 15 more transcripts); short protein forms G152C.
Identifiers: ClinVar variation 2824779 (VCV002824779.3), dbSNP rs1197431819, ClinGen allele CA346823961.